The following is an entry in ClinVar:

NM_006614.4(CHL1):c.49C>T (p.Leu17Phe)

Gene: CHL1 (cell adhesion molecule L1 like; plus strand). Cytogenetic location: 3p26.3.
Variant type: single nucleotide variant.
Coding change: c.49C>T on transcript NM_006614.4 (MANE Select); coding-DNA position 49, C replaced by T.
Protein change: p.Leu17Phe; replaces leucine 17 with phenylalanine.
Molecular consequence: missense variant.
Genome position (GRCh38, 1-based): chr3:319,825, C>T. VCF-style: chr3-319825-C-T. GRCh37 (hg19) VCF-style: chr3-361508-C-T.
Other names: c.49C>T, p.Leu17Phe (NM_001253387.2, NM_001253388.1); short protein forms L17F.
Identifiers: ClinVar variation 3058988 (VCV003058988.2), dbSNP rs2272522, ClinGen allele CA2224186.

ClinVar aggregate classification (germline): Benign (0 of 4 stars; one submission).

Conditions:
CHL1-related disorder. Also called: CHL1-related condition.

Allele frequency attached by ClinVar (database versions not stated): gnomAD exomes 0.22273; ExAC 0.26967; gnomAD 0.30656; ESP Exome Variant Server 0.30898; TOPMed 0.31647; 1000 Genomes Project 0.35204; 1000 Genomes Project 30x 0.35431.
gnomAD v4.1: 369,859 of 1,599,498 alleles (23%); highest among the groups gnomAD compares: African/African-American, 52%; 47,599 homozygotes.

Submission:

PreventionGenetics, part of Exact Sciences
Classification: Benign for CHL1-related condition. Last evaluated: 2019-09-24. Review status: no assertion criteria provided. Collection method: clinical testing. Allele origin: germline.
Comment: This variant is classified as benign based on ACMG/AMP sequence variant interpretation guidelines (Richards et al. 2015 PMID: 25741868, with internal and published modifications).